The following is an entry in ClinVar:

NM_013275.6(ANKRD11):c.5766C>T (p.Ala1922=)

Gene: ANKRD11 (ankyrin repeat domain 11; minus strand). Cytogenetic location: 16q24.3.
Variant type: single nucleotide variant.
Coding change: c.5766C>T on transcript NM_013275.6 (MANE Select); coding-DNA position 5766, C replaced by T.
Protein change: p.Ala1922=; no amino-acid change (alanine 1922 retained).
Molecular consequence: synonymous variant.
Genome position (GRCh38, 1-based): chr16:89,280,776, G>A on the plus strand (C>T on the coding strand, the complement: ANKRD11 is on the minus strand). VCF-style: chr16-89280776-G-A. GRCh37 (hg19) VCF-style: chr16-89347184-G-A.
Other names: c.5766C>T, p.Ala1922= (NM_001256182.2, NM_001256183.2).
Identifiers: ClinVar variation 1696939 (VCV001696939.32), dbSNP rs373393326, ClinGen allele CA8241726.

ClinVar aggregate classification (germline): Benign/Likely benign. Review status: criteria provided, multiple submitters, no conflicts (2 of 4 stars). 5 submissions from 5 submitters: Benign (2); Likely benign (2). 1 of the submissions does not count toward it. Last evaluated 2026-04-01.

Conditions:
KBG syndrome (KBGS). Also called: ANKRD11-Related KBG Syndrome. Identifiers: Orphanet 2332, MedGen C0220687, MONDO:0007846, OMIM 148050.
ANKRD11-related disorder. Also called: ANKRD11-related condition.
Inborn genetic diseases. Identifiers: MedGen C0950123, MeSH D030342.

Allele frequency attached by ClinVar (database versions not stated): gnomAD exomes 0.00002 and 0.00007; ExAC 0.00007; ESP Exome Variant Server 0.00024; gnomAD 0.00031 and 0.00034; TOPMed 0.00035.
gnomAD v4.1: 71 of 1,611,912 alleles (0.0044%); highest among the groups gnomAD compares: African/African-American, 0.091%; no homozygotes.

Submissions (5):

CeGaT Center for Human Genetics Tuebingen
Classification: Likely benign. Last evaluated: 2026-04-01. Review status: criteria provided, single submitter. Criteria: CeGaT Center For Human Genetics Tuebingen Variant Classification Criteria Version 2. Collection method: clinical testing. Allele origin: germline. Affected: yes. Observed: 2 variant alleles.
Comment: ANKRD11: BP4, BP7

Labcorp Genetics (formerly Invitae), Labcorp
Classification: Benign for KBG syndrome. Last evaluated: 2025-07-06. Review status: criteria provided, single submitter. Criteria: Invitae Variant Classification Sherloc (09022015). Collection method: clinical testing. Allele origin: germline.

GeneDx
Classification: Likely benign. Last evaluated: 2021-09-04. Review status: criteria provided, single submitter. Criteria: GeneDx Variant Classification Process June 2021. Collection method: clinical testing. Allele origin: germline. Affected: yes.
Comment: See Variant Classification Assertion Criteria.

Ambry Genetics
Classification: Benign for Inborn genetic diseases. Last evaluated: 2019-07-31. Review status: criteria provided, single submitter. Criteria: Ambry Variant Classification Scheme 2023. Collection method: clinical testing. Allele origin: germline.

PreventionGenetics, part of Exact Sciences
Classification: Likely benign for ANKRD11-related condition. Last evaluated: 2021-10-06. Review status: no assertion criteria provided. Collection method: clinical testing. Allele origin: germline. Not counted in ClinVar's aggregate classification.
Comment: This variant is classified as likely benign based on ACMG/AMP sequence variant interpretation guidelines (Richards et al. 2015 PMID: 25741868, with internal and published modifications).